The following is an entry in ClinVar:

ClinVar aggregate classification (germline): Uncertain significance (1 of 4 stars; one submission).

gnomAD v4.1: 2 of 1,613,344 alleles (0.00012%); highest among the groups gnomAD compares: Non-Finnish European, 0.00017%; no homozygotes.

Submission:

Ambry Genetics
Classification: Uncertain significance. Last evaluated: 2025-04-09. Review status: criteria provided, single submitter. Criteria: Ambry Variant Classification Scheme 2023. Collection method: clinical testing. Allele origin: germline.
Comment: The p.I588T variant (also known as c.1763T>C), located in coding exon 13 of the GEN1 gene, results from a T to C substitution at nucleotide position 1763. The isoleucine at codon 588 is replaced by threonine, an amino acid with similar properties. This amino acid position is conserved. In addition, this alteration is predicted to be tolerated by in silico analysis. Based on the available evidence, the clinical significance of this variant remains unclear.

NM_001130009.3(GEN1):c.1763T>C (p.Ile588Thr)

Gene: GEN1 (GEN1 Holliday junction 5' flap endonuclease; plus strand). Cytogenetic location: 2p24.2.
Variant type: single nucleotide variant.
Coding change: c.1763T>C on transcript NM_001130009.3 (MANE Select); coding-DNA position 1763, T replaced by C.
Protein change: p.Ile588Thr; replaces isoleucine 588 with threonine.
Molecular consequence: missense variant.
Genome position (GRCh38, 1-based): chr2:17,780,975, T>C. VCF-style: chr2-17780975-T-C. GRCh37 (hg19) VCF-style: chr2-17962242-T-C.
Other names: c.1763T>C, p.Ile588Thr (NM_182625.5); short protein forms I588T.
Identifiers: ClinVar variation 4029213 (VCV004029213.1).